The following is an entry in ClinVar:

ClinVar aggregate classification (germline): Uncertain significance (0 of 4 stars; one submission).

Allele frequency attached by ClinVar (database versions not stated): TOPMed below 0.00001.

Submission:

Richard Lifton Laboratory, Yale University School of Medicine
Classification: Uncertain significance. Review status: no assertion criteria provided. Collection method: not provided. Allele origin: somatic.
Comment: ABLIM3
ClinVar note: Converted during submission from unknown to Uncertain significance.

NM_014945.5(ABLIM3):c.1584G>A (p.Lys528=)

Gene: ABLIM3 (actin binding LIM protein family member 3; plus strand). Cytogenetic location: 5q32.
Variant type: single nucleotide variant.
Coding change: c.1584G>A on transcript NM_014945.5 (MANE Select); coding-DNA position 1584, G replaced by A.
Protein change: p.Lys528=; no amino-acid change (lysine 528 retained).
Molecular consequence: synonymous variant.
Genome position (GRCh38, 1-based): chr5:149,247,814, G>A. VCF-style: chr5-149247814-G-A. GRCh37 (hg19) VCF-style: chr5-148627377-G-A.
Other names: c.1584G>A, p.Lys528= (NM_001301015.3); c.1485G>A, p.Lys495= (NM_001301018.3, NM_001370417.1); c.1251G>A, p.Lys417= (NM_001301028.3, NM_001345860.2, NM_001370418.1); c.1437G>A, p.Lys479= (NM_001345858.2); c.1299G>A, p.Lys433= (NM_001345859.2, NM_001345861.2).
Identifiers: ClinVar variation 91983 (VCV000091983.2), dbSNP rs386352275, ClinGen allele CA232293.